The following is an entry in ClinVar:

ClinVar aggregate classification (germline): Uncertain significance. Review status: criteria provided, multiple submitters, no conflicts (2 of 4 stars). 2 submissions from 2 submitters: Uncertain significance (2). Last evaluated 2025-10-27.

Conditions:
Cardiovascular phenotype. Identifiers: MedGen CN230736.
Long QT syndrome (LQTS). Identifiers: MedGen C0023976, MeSH D008133, MONDO:0002442. Disease mechanism: loss of function. Inheritance: Various modes of inheritance.

Submissions (2):

Labcorp Genetics (formerly Invitae), Labcorp
Classification: Uncertain significance for Long QT syndrome. Last evaluated: 2025-10-27. Review status: criteria provided, single submitter. Criteria: Invitae Variant Classification Sherloc (09022015). Collection method: clinical testing. Allele origin: germline.
Comment: This sequence change replaces alanine, which is neutral and non-polar, with glycine, which is neutral and non-polar, at codon 782 of the CACNA1C protein (p.Ala782Gly). This variant is not present in population databases (gnomAD no frequency). This variant has not been reported in the literature in individuals affected with CACNA1C-related conditions. ClinVar contains an entry for this variant (Variation ID: 1789917). Invitae Evidence Modeling of protein sequence and biophysical properties (such as structural, functional, and spatial information, amino acid conservation, physicochemical variation, residue mobility, and thermodynamic stability) indicates that this missense variant is not expected to disrupt CACNA1C protein function with a negative predictive value of 95%. Experimental studies have shown that this missense change affects CACNA1C function (PMID: 19687230). In summary, the available evidence is currently insufficient to determine the role of this variant in disease. Therefore, it has been classified as a Variant of Uncertain Significance.

Ambry Genetics
Classification: Uncertain significance for Cardiovascular phenotype. Last evaluated: 2025-06-11. Review status: criteria provided, single submitter. Criteria: Ambry Variant Classification Scheme 2023. Collection method: clinical testing. Allele origin: germline.
Comment: The p.A782G variant (also known as c.2345C>G), located in coding exon 17 of the CACNA1C gene, results from a C to G substitution at nucleotide position 2345. The alanine at codon 782 is replaced by glycine, an amino acid with similar properties. Functional studies by one group suggest this variant may have some impact on protein function (Beyl S et al. J Gen Physiol. 2009 Sep;134(3):231-41; S1-2). This amino acid position is well conserved in available vertebrate species. In addition, the in silico prediction for this alteration is inconclusive. Based on the available evidence, the clinical significance of this variant remains unclear.

Literature cited by the submitters: PubMed 19687230 (cited by Labcorp Genetics (formerly Invitae), Labcorp and Ambry Genetics).

NM_000719.7(CACNA1C):c.2345C>G (p.Ala782Gly)

Gene: CACNA1C (calcium voltage-gated channel subunit alpha1 C; plus strand). Cytogenetic location: 12p13.33.
Variant type: single nucleotide variant.
Coding change: c.2345C>G on transcript NM_000719.7 (MANE Select); coding-DNA position 2345, C replaced by G.
Protein change: p.Ala782Gly; replaces alanine 782 with glycine.
Molecular consequence: missense variant.
Genome position (GRCh38, 1-based): chr12:2,585,381, C>G. VCF-style: chr12-2585381-C-G. GRCh37 (hg19) VCF-style: chr12-2694547-C-G.
Other names: c.2345C>G, p.Ala782Gly (NM_001129827.2, NM_001129829.2, NM_001129830.3 and 18 more transcripts); c.2336C>G, p.Ala779Gly (NM_001129844.2); short protein forms A779G, A782G.
Identifiers: ClinVar variation 1789917 (VCV001789917.5), dbSNP rs2062034051, ClinGen allele CA383371616.